The following is an entry in ClinVar:

NM_000017.4(ACADS):c.933+5T>C

Gene: ACADS (acyl-CoA dehydrogenase short chain; plus strand). Cytogenetic location: 12q24.31.
Variant type: single nucleotide variant.
Coding change: c.933+5T>C on transcript NM_000017.4 (MANE Select); 5 bases into the intron after coding-DNA position 933, T replaced by C.
Molecular consequence: intron variant.
Genome position (GRCh38, 1-based): chr12:120,738,675, T>C. VCF-style: chr12-120738675-T-C. GRCh37 (hg19) VCF-style: chr12-121176478-T-C.
Other names: c.921+5T>C (NM_001302554.2).
Identifiers: ClinVar variation 2139681 (VCV002139681.2), dbSNP rs368259344, ClinGen allele CA6831118.
Genomic context (GRCh38, chr12:120,738,675, plus strand): 5'-ACGCTGAGAATCGCATGGCCTTCGGGGCGCCCCTCACCAAGCTCCAGGTCATCCAGGTAA[T>C]GGTGGCAGCTTTAGGAGCTGGGCCTAGAGGCTGGACAGCGGGCGGAGAGTGTGGCCTCCT-3'

ClinVar aggregate classification (germline): Uncertain significance (1 of 4 stars; one submission).

Conditions:
Deficiency of butyryl-CoA dehydrogenase (ACADSD). Also called: SCADH DEFICIENCY; ACYL-CoA DEHYDROGENASE, SHORT-CHAIN, DEFICIENCY OF; SCAD DEFICIENCY, MILD; SCAD Deficiency; ACADS DEFICIENCY; Short-Chain Acyl-CoA Dehydrogenase Deficiency. Identifiers: Orphanet 26792, MedGen C0342783, MONDO:0008722, OMIM 201470. Disease mechanism: May be benign.

Allele frequency attached by ClinVar (database versions not stated): gnomAD 0.00001; TOPMed 0.00002; gnomAD exomes 0.00007; ExAC 0.00008; ESP Exome Variant Server 0.00008; 1000 Genomes Project 30x 0.00016; 1000 Genomes Project 0.00020.
gnomAD v4.1: 105 of 1,611,502 alleles (0.0065%); highest among the groups gnomAD compares: Admixed American, 0.022%; no homozygotes.

Submission:

Labcorp Genetics (formerly Invitae), Labcorp
Classification: Uncertain significance for Deficiency of butyryl-CoA dehydrogenase. Last evaluated: 2023-11-27. Review status: criteria provided, single submitter. Criteria: Invitae Variant Classification Sherloc (09022015). Collection method: clinical testing. Allele origin: germline.
Comment: This sequence change falls in intron 7 of the ACADS gene. It does not directly change the encoded amino acid sequence of the ACADS protein. It affects a nucleotide within the consensus splice site. This variant is present in population databases (rs368259344, gnomAD 0.03%). This variant has not been reported in the literature in individuals affected with ACADS-related conditions. ClinVar contains an entry for this variant (Variation ID: 2139681). Variants that disrupt the consensus splice site are a relatively common cause of aberrant splicing (PMID: 17576681, 9536098). Algorithms developed to predict the effect of sequence changes on RNA splicing suggest that this variant is not likely to affect RNA splicing. In summary, the available evidence is currently insufficient to determine the role of this variant in disease. Therefore, it has been classified as a Variant of Uncertain Significance.

Literature cited by the submitters: PubMed 17576681; PubMed 9536098.